The following is an entry in ClinVar:

ClinVar aggregate classification (germline): Likely pathogenic (1 of 4 stars; one submission).

gnomAD v4.1: 1 of 1,614,162 alleles (0.000062%); highest among the groups gnomAD compares: Admixed American, 0.0017%; no homozygotes.

Submission:

Labcorp Genetics (formerly Invitae), Labcorp
Classification: Likely pathogenic. Last evaluated: 2023-09-03. Review status: criteria provided, single submitter. Criteria: Invitae Variant Classification Sherloc (09022015). Collection method: clinical testing. Allele origin: germline.
Comment: In summary, the currently available evidence indicates that the variant is pathogenic, but additional data are needed to prove that conclusively. Therefore, this variant has been classified as Likely Pathogenic. This variant has not been reported in the literature in individuals affected with COL17A1-related conditions. Algorithms developed to predict the effect of sequence changes on RNA splicing suggest that this variant may disrupt the consensus splice site. This variant is present in population databases (no rsID available, gnomAD 0.003%). This sequence change affects a donor splice site in intron 39 of the COL17A1 gene. It is expected to disrupt RNA splicing. Variants that disrupt the donor or acceptor splice site typically lead to a loss of protein function (PMID: 16199547), and loss-of-function variants in COL17A1 are known to be pathogenic (PMID: 16473856, 17344927, 20301304, 21357940, 24319098).

Literature cited by the submitters: PubMed 16199547; PubMed 16473856; PubMed 17344927; PubMed 20301304; PubMed 21357940; PubMed 24319098.

NM_000494.4(COL17A1):c.2701+1G>A

Gene: COL17A1 (collagen type XVII alpha 1 chain; minus strand). Cytogenetic location: 10q25.1.
Variant type: single nucleotide variant.
Coding change: c.2701+1G>A on transcript NM_000494.4 (MANE Select); the canonical splice donor site of the intron after coding-DNA position 2701, G replaced by A.
Molecular consequence: splice donor variant.
Genome position (GRCh38, 1-based): chr10:104,041,064, C>T on the plus strand (G>A on the coding strand, the complement: COL17A1 is on the minus strand). VCF-style: chr10-104041064-C-T. GRCh37 (hg19) VCF-style: chr10-105800822-C-T.
Identifiers: ClinVar variation 2791551 (VCV002791551.3), dbSNP rs1442334401, ClinGen allele CA378068179.